The following is an entry in ClinVar:

ClinVar aggregate classification (germline): Likely benign. Review status: criteria provided, single submitter (1 of 4 stars). 2 submissions from 2 submitters: Likely benign (1). 1 of the submissions does not count toward it. Last evaluated 2024-10-01.

Conditions:
AGTPBP1-related disorder. Also called: AGTPBP1-related condition.

Allele frequency attached by ClinVar (database versions not stated): TOPMed 0.00015; gnomAD 0.00023; gnomAD exomes 0.00026; ExAC 0.00048.
gnomAD v4.1: 373 of 1,507,334 alleles (0.025%); highest among the groups gnomAD compares: Non-Finnish European, 0.029%; no homozygotes.

Submissions (2):

Blueprint Genetics
Classification: Likely benign. Last evaluated: 2024-10-01. Review status: criteria provided, single submitter. Criteria: ACMG Guidelines, 2015. Collection method: clinical testing. Allele origin: germline.

PreventionGenetics, part of Exact Sciences
Classification: Likely benign for AGTPBP1-related condition. Last evaluated: 2019-09-17. Review status: no assertion criteria provided. Collection method: clinical testing. Allele origin: germline. Not counted in ClinVar's aggregate classification.
Comment: This variant is classified as likely benign based on ACMG/AMP sequence variant interpretation guidelines (Richards et al. 2015 PMID: 25741868, with internal and published modifications).

NM_001330701.2(AGTPBP1):c.918G>A (p.Leu306=)

Gene: AGTPBP1 (ATP/GTP binding carboxypeptidase 1; minus strand). Cytogenetic location: 9q21.33.
Variant type: single nucleotide variant.
Coding change: c.918G>A on transcript NM_001330701.2 (MANE Select); coding-DNA position 918, G replaced by A.
Protein change: p.Leu306=; no amino-acid change (leucine 306 retained).
Molecular consequence: synonymous variant. On other transcripts: intron variant (2).
Genome position (GRCh38, 1-based): chr9:85,655,312, C>T on the plus strand (G>A on the coding strand, the complement: AGTPBP1 is on the minus strand). VCF-style: chr9-85655312-C-T. GRCh37 (hg19) VCF-style: chr9-88270227-C-T.
Other names: c.1074G>A, p.Leu358= (NM_001286715.1); c.1066-112G>A (NM_001286717.1); c.910-112G>A (NM_015239.3).
Identifiers: ClinVar variation 3040108 (VCV003040108.3), dbSNP rs202080820, ClinGen allele CA5106633.